The following is an entry in ClinVar:

NM_000463.3(UGT1A1):c.1471G>A (p.Val491Met)

Genes: UGT1A (UDP glucuronosyltransferase family 1 member A complex locus; plus strand), UGT1A1 (UDP glucuronosyltransferase family 1 member A1; plus strand), UGT1A10 (UDP glucuronosyltransferase family 1 member A10; plus strand), UGT1A3 (UDP glucuronosyltransferase family 1 member A3; plus strand), UGT1A4 (UDP glucuronosyltransferase family 1 member A4; plus strand) and 5 more. Cytogenetic location: 2q37.1.
Variant type: single nucleotide variant.
Coding change: c.1471G>A on transcript NM_000463.3 (MANE Select); coding-DNA position 1471, G replaced by A.
Protein change: p.Val491Met; replaces valine 491 with methionine.
Molecular consequence: missense variant.
Genome position (GRCh38, 1-based): chr2:233,772,428, G>A. VCF-style: chr2-233772428-G-A. GRCh37 (hg19) VCF-style: chr2-234681074-G-A.
Other names: c.1462G>A, p.Val488Met (NM_019075.4, NM_019076.5, NM_019077.3 and 1 more transcripts); c.1468G>A, p.Val490Met (NM_001072.4); c.667G>A, p.Val223Met (NM_205862.3); c.1474G>A, p.Val492Met (NM_019078.2, NM_007120.3, NM_019093.4); short protein forms V491M, V492M, V223M, V488M, V490M.
Identifiers: ClinVar variation 4986792 (VCV004986792.1).

ClinVar aggregate classification (germline): Uncertain significance (1 of 4 stars; one submission).

Conditions:
UGT1A1-related disorder. Also called: UGT1A1-related disorders; UGT1A1-related condition.

gnomAD v4.1: 9 of 1,614,096 alleles (0.00056%); highest among the groups gnomAD compares: Admixed American, 0.0033%; no homozygotes.

Submission:

PreventionGenetics, part of Exact Sciences
Classification: Uncertain significance for UGT1A1-related condition. Last evaluated: 2026-08-17. Review status: criteria provided, single submitter. Criteria: ACMG Guidelines, 2015. Collection method: clinical testing. Allele origin: germline.
Comment: The UGT1A1 c.1471G>A variant is predicted to result in the amino acid substitution p.Val491Met. This variant has been reported in two individuals with hyperbilirubinemia (Mi et al. 2019. PubMed ID: 31467903; Shen et al. 2024. PubMed ID: 38514260). This variant is reported in 0.0058% of alleles in individuals of Latino descent in gnomAD. At this time, the clinical significance of this variant is uncertain due to the absence of conclusive functional and genetic evidence.